The following is an entry in ClinVar:

ClinVar aggregate classification (germline): Likely benign (1 of 4 stars; one submission).

Allele frequency attached by ClinVar (database versions not stated): gnomAD exomes below 0.00001; gnomAD 0.00001.
gnomAD v4.1: 2 of 1,534,818 alleles (0.00013%); highest among the groups gnomAD compares: African/African-American, 0.0014%; no homozygotes.

Submission:

GeneDx
Classification: Likely benign. Last evaluated: 2017-04-20. Review status: criteria provided, single submitter. Criteria: GeneDx Variant Classification (06012015). Collection method: clinical testing. Allele origin: germline. Affected: yes.
Comment: This variant is considered likely benign or benign based on one or more of the following criteria: it is a conservative change, it occurs at a poorly conserved position in the protein, it is predicted to be benign by multiple in silico algorithms, and/or has population frequency not consistent with disease.

NM_017909.4(RMND1):c.937+11A>G

Gene: RMND1 (required for meiotic nuclear division 1 homolog; minus strand). Cytogenetic location: 6q25.1.
Variant type: single nucleotide variant.
Coding change: c.937+11A>G on transcript NM_017909.4 (MANE Select); 11 bases into the intron after coding-DNA position 937, A replaced by G.
Molecular consequence: intron variant.
Genome position (GRCh38, 1-based): chr6:151,423,514, T>C on the plus strand (A>G on the coding strand, the complement: RMND1 is on the minus strand). VCF-style: chr6-151423514-T-C. GRCh37 (hg19) VCF-style: chr6-151744649-T-C.
Other names: c.427+11A>G (NM_001271937.2).
Identifiers: ClinVar variation 516118 (VCV000516118.1), dbSNP rs1554344069, ClinGen allele CA658796840.
Genomic context (GRCh38, chr6:151,423,514, plus strand): 5'-CGTGACTATTTAAACTTCCCTCAGTGAAATGACAACTGTAGTACCCTATCCCATAAGCAG[T>C]AGTAACTTACCAGAAAGGCATAGAGCATTGGAGAAAGCAAACTTCTCTAGAATGGCATCA-3'